The following is an entry in ClinVar:

ClinVar aggregate classification (germline): Uncertain significance (1 of 4 stars; one submission).

Allele frequency attached by ClinVar (database versions not stated): gnomAD 0.00001 and 0.00002; TOPMed 0.00001.
gnomAD v4.1: 9 of 1,614,010 alleles (0.00056%); highest among the groups gnomAD compares: Non-Finnish European, 0.00076%; no homozygotes.

Submission:

Women's Health and Genetics/Laboratory Corporation of America, LabCorp
Classification: Uncertain significance. Last evaluated: 2022-04-25. Review status: criteria provided, single submitter. Criteria: LabCorp Variant Classification Summary - May 2015. Collection method: clinical testing. Allele origin: germline.
Comment: Variant summary: PRSS1 c.454+5G>T alters a conserved nucleotide located close to a canonical splice site and therefore could affect mRNA splicing, leading to a significantly altered protein sequence. Several computational tools predict a significant impact on normal splicing: Three predict the variant weakens the canonical 5' splicing donor site. One predict the variant abolishes the canonical 5' splicing donor site. However, these predictions have yet to be confirmed by functional studies. The variant was absent in 251358 control chromosomes. The available data on variant occurrences in the general population are insufficient to allow any conclusion about variant significance. To our knowledge, no occurrence of c.454+5G>T in individuals affected with Chronic Pancreatitis Risk and no experimental evidence demonstrating its impact on protein function have been reported. No clinical diagnostic laboratories have submitted clinical-significance assessments for this variant to ClinVar after 2014. Based on the evidence outlined above, the variant was classified as uncertain significance.

NM_002769.5(PRSS1):c.454+5G>T

Genes: PRSS1 (serine protease 1; plus strand), TRB (T cell receptor beta locus; plus strand). Cytogenetic location: 7q34.
Variant type: single nucleotide variant.
Coding change: c.454+5G>T on transcript NM_002769.5 (MANE Select); 5 bases into the intron after coding-DNA position 454, G replaced by T.
Molecular consequence: intron variant.
Genome position (GRCh38, 1-based): chr7:142,752,032, G>T. VCF-style: chr7-142752032-G-T. GRCh37 (hg19) VCF-style: chr7-142459883-G-T.
Identifiers: ClinVar variation 1683293 (VCV001683293.1), dbSNP rs1468322371, ClinGen allele CA578433223.